The following is an entry in ClinVar:

NM_021999.5(ITM2B):c.147A>C (p.Gln49His)

Gene: ITM2B (integral membrane protein 2B; plus strand). Cytogenetic location: 13q14.2.
Variant type: single nucleotide variant.
Coding change: c.147A>C on transcript NM_021999.5 (MANE Select); coding-DNA position 147, A replaced by C.
Protein change: p.Gln49His; replaces glutamine 49 with histidine.
Molecular consequence: missense variant.
Genome position (GRCh38, 1-based): chr13:48,253,837, A>C. VCF-style: chr13-48253837-A-C. GRCh37 (hg19) VCF-style: chr13-48827973-A-C.
Other names: short protein forms Q49H.
Identifiers: ClinVar variation 1353466 (VCV001353466.6), dbSNP rs765283434, ClinGen allele CA388250775.
Genomic context (GRCh38, chr13:48,253,837, plus strand): 5'-AAGATATTTAACTGTCTTTTTCATATTTTAGGACCCAGATGATGTGGTACCAGTTGGCCA[A>C]AGAAGAGCCTGGTGTTGGTGCATGTGCTTTGGACTAGCATTTATGCTTGCAGGTGTTATT-3'
Protein context (NP_068839.1, residues 39-59): KDPDDVVPVG[Gln49His]RRAWCWCMCF

ClinVar aggregate classification (germline): Uncertain significance (1 of 4 stars; one submission).

Submission:

Labcorp Genetics (formerly Invitae), Labcorp
Classification: Uncertain significance. Last evaluated: 2021-11-25. Review status: criteria provided, single submitter. Criteria: Invitae Variant Classification Sherloc (09022015). Collection method: clinical testing. Allele origin: germline.
Comment: This sequence change replaces glutamine, which is neutral and polar, with histidine, which is basic and polar, at codon 49 of the ITM2B protein (p.Gln49His). This variant is not present in population databases (gnomAD no frequency). This variant has not been reported in the literature in individuals affected with ITM2B-related conditions. Algorithms developed to predict the effect of missense changes on protein structure and function are either unavailable or do not agree on the potential impact of this missense change (SIFT: "Deleterious"; PolyPhen-2: "Benign"; Align-GVGD: "Class C0"). In summary, the available evidence is currently insufficient to determine the role of this variant in disease. Therefore, it has been classified as a Variant of Uncertain Significance.